The following is an entry in ClinVar:

ClinVar aggregate classification (germline): Pathogenic (1 of 4 stars; one submission).

Submission:

Labcorp Genetics (formerly Invitae), Labcorp
Classification: Pathogenic. Last evaluated: 2019-08-21. Review status: criteria provided, single submitter. Criteria: Invitae Variant Classification Sherloc (09022015). Collection method: clinical testing. Allele origin: germline.
Comment: This variant is not present in population databases (ExAC no frequency). This sequence change creates a premature translational stop signal (p.Leu1253Phefs*8) in the LAMA3 gene. It is expected to result in an absent or disrupted protein product. This variant has not been reported in the literature in individuals with LAMA3-related conditions. Loss-of-function variants in LAMA3 are known to be pathogenic (PMID: 10366601, 11810295, 12915477, 16473856, 17362460, 23869449, 28087116). For these reasons, this variant has been classified as Pathogenic.

Literature cited by the submitters: PubMed 10366601; PubMed 11810295; PubMed 12915477; PubMed 16473856; PubMed 17362460; PubMed 23869449; PubMed 28087116.

NM_198129.4(LAMA3):c.8583del (p.Leu2862fs)

Gene: LAMA3 (laminin subunit alpha 3; plus strand). Cytogenetic location: 18q11.2.
Variant type: Deletion.
Coding change: c.8583del on transcript NM_198129.4 (MANE Select); coding-DNA position 8583, one base deleted (G; older notation c.8583delG).
Protein change: p.Leu2862fs; shifts the reading frame from leucine 2862.
Molecular consequence: frameshift variant.
Genome position (GRCh38, 1-based): chr18:23,932,166, G deleted; the last of 2 consecutive G bases (chr18:23,932,165-23,932,166); deleting either gives the same sequence. VCF-style (leftmost placement, unchanged base first): chr18-23932164-CG-C. GRCh37 (hg19) VCF-style: chr18-21512128-CG-C.
Other names: c.3756del, p.Leu1253fs (NM_000227.6); c.8415del, p.Leu2806fs (NM_001127717.4); c.3588del, p.Leu1197fs (NM_001127718.4); short protein forms L2862fs, L1253fs, L1197fs, L2806fs.
Identifiers: ClinVar variation 955624 (VCV000955624.7), dbSNP rs2082179831, ClinGen allele CA988405824.